The following is an entry in ClinVar:

ClinVar aggregate classification (germline): Benign. Review status: criteria provided, multiple submitters, no conflicts (2 of 4 stars). 2 submissions from 2 submitters: Benign (2). Last evaluated 2025-11-04.

Conditions:
SMOC2-related disorder. Also called: SMOC2-related condition.

Allele frequency attached by ClinVar (database versions not stated): gnomAD exomes 0.00045; ExAC 0.00151; 1000 Genomes Project 30x 0.00468; ESP Exome Variant Server 0.00477; gnomAD 0.00496; 1000 Genomes Project 0.00499; TOPMed 0.00540.
gnomAD v4.1: 1,467 of 1,614,068 alleles (0.091%); highest among the groups gnomAD compares: African/African-American, 1.7%; 10 homozygotes.

Submissions (4):

Labcorp Genetics (formerly Invitae), Labcorp
Classification: Benign. Last evaluated: 2025-11-04. Review status: criteria provided, single submitter. Criteria: Invitae Variant Classification Sherloc (09022015). Collection method: clinical testing. Allele origin: germline.

PreventionGenetics, part of Exact Sciences
Classification: Benign for SMOC2-related condition. Last evaluated: 2025-11-03. Review status: criteria provided, single submitter. Criteria: ACMG Guidelines, 2015. Collection method: clinical testing. Allele origin: germline.
Comment: This variant is classified as benign based on ACMG/AMP sequence variant interpretation guidelines (Richards et al. 2015 PMID: 25741868, with internal and published modifications).

Dr. Peter K. Rogan Lab, Western University
No classification provided (evidence only). Condition: Cervical cancer. Review status: no classification provided. Collection method: in vitro. Allele origin: not applicable. Functional consequence: retained intron. Not counted in ClinVar's aggregate classification.

Dr. Peter K. Rogan Lab, Western University
No classification provided (evidence only). Condition: Gastric cancer. Review status: no classification provided. Collection method: in vitro. Allele origin: not applicable. Functional consequence: retained intron. Not counted in ClinVar's aggregate classification.

NM_001166412.2(SMOC2):c.1242C>T (p.Gly414=)

Gene: SMOC2 (SPARC related modular calcium binding 2; plus strand). Cytogenetic location: 6q27.
Variant type: single nucleotide variant.
Coding change: c.1242C>T on transcript NM_001166412.2 (MANE Select); coding-DNA position 1242, C replaced by T.
Protein change: p.Gly414=; no amino-acid change (glycine 414 retained).
Molecular consequence: synonymous variant.
Genome position (GRCh38, 1-based): chr6:168,653,185, C>T. VCF-style: chr6-168653185-C-T. GRCh37 (hg19) VCF-style: chr6-169053865-C-T.
Other names: c.1275C>T, p.Gly425= (NM_022138.3); c.1275C>T (NM_022138.2).
Identifiers: ClinVar variation 2049423 (VCV002049423.6), dbSNP rs76160670, ClinGen allele CA4102466.